The following is an entry in ClinVar:

ClinVar aggregate classification (germline): Likely benign. Review status: criteria provided, multiple submitters, no conflicts (2 of 4 stars). 3 submissions from 3 submitters: Likely benign (3). Last evaluated 2022-12-16.

Conditions:
Bardet-Biedl syndrome (BBS). Identifiers: Orphanet 110, MedGen C0752166, MONDO:0015229.

Submissions (3):

Blueprint Genetics
Classification: Likely benign. Last evaluated: 2022-12-16. Review status: criteria provided, single submitter. Criteria: ACMG Guidelines, 2015. Collection method: clinical testing. Allele origin: germline.

CeGaT Center for Human Genetics Tuebingen
Classification: Likely benign. Last evaluated: 2022-09-01. Review status: criteria provided, single submitter. Criteria: CeGaT Center For Human Genetics Tuebingen Variant Classification Criteria Version 2. Collection method: clinical testing. Allele origin: germline. Affected: yes. Observed: 1 variant allele.
Comment: BBS2: PM2:Supporting, BP4, BP7

Labcorp Genetics (formerly Invitae), Labcorp
Classification: Likely benign for Bardet-Biedl syndrome. Last evaluated: 2022-04-08. Review status: criteria provided, single submitter. Criteria: Invitae Variant Classification Sherloc (09022015). Collection method: clinical testing. Allele origin: germline.

NM_031885.5(BBS2):c.861T>C (p.Ser287=)

Gene: BBS2 (Bardet-Biedl syndrome 2; minus strand). Cytogenetic location: 16q13.
Variant type: single nucleotide variant.
Coding change: c.861T>C on transcript NM_031885.5 (MANE Select); coding-DNA position 861, T replaced by C.
Protein change: p.Ser287=; no amino-acid change (serine 287 retained).
Molecular consequence: synonymous variant. On other transcripts: non-coding transcript variant (5).
Genome position (GRCh38, 1-based): chr16:56,502,752, A>G on the plus strand (T>C on the coding strand, the complement: BBS2 is on the minus strand). VCF-style: chr16-56502752-A-G. GRCh37 (hg19) VCF-style: chr16-56536664-A-G.
Other names: c.861T>C, p.Ser287= (NM_001377456.1).
Identifiers: ClinVar variation 1977446 (VCV001977446.30), dbSNP rs1964312932, ClinGen allele CA495587611.